The following is an entry in ClinVar:

ClinVar aggregate classification (germline): Pathogenic. Review status: reviewed by expert panel (3 of 4 stars). 2 submissions from 2 submitters: Pathogenic (1). 1 of the submissions does not count toward it. Last evaluated 2016-10-18.

Conditions:
Breast-ovarian cancer, familial, susceptibility to, 1 (BROVCA1). Also called: BRCA1 Hereditary Breast and Ovarian Cancer; OVARIAN CANCER, SUSCEPTIBILITY TO. Identifiers: Orphanet 145, MedGen C2676676, MONDO:0011450, OMIM 604370. Disease mechanism: loss of function.

Submissions (2):

Evidence-based Network for the Interpretation of Germline Mutant Alleles (ENIGMA)
Classification: Pathogenic for Breast-ovarian cancer, familial, susceptibility to, 1. Last evaluated: 2016-10-18. Review status: reviewed by expert panel. Criteria: ENIGMA BRCA1/2 Classification Criteria (2015). Collection method: curation. Allele origin: germline.
Comment: Variant allele predicted to encode a truncated non-functional protein.

Consortium of Investigators of Modifiers of BRCA1/2 (CIMBA), c/o University of Cambridge
Classification: Pathogenic for Breast-ovarian cancer, familial, susceptibility to, 1. Last evaluated: 2015-10-02. Review status: criteria provided, single submitter. Criteria: CIMBA Mutation Classification guidelines May 2016. Collection method: clinical testing. Allele origin: germline. Not counted in ClinVar's aggregate classification.

NM_007294.4(BRCA1):c.5213del (p.Gly1738fs)

Gene: BRCA1 (BRCA1 DNA repair associated; minus strand). Cytogenetic location: 17q21.31.
Variant type: Deletion.
Coding change: c.5213del on transcript NM_007294.4 (MANE Select); coding-DNA position 5213, one base deleted (G; older notation c.5213delG).
Protein change: p.Gly1738fs; shifts the reading frame from glycine 1738.
Molecular consequence: frameshift variant. On other transcripts: non-coding transcript variant (1).
Genome position (GRCh38, 1-based): chr17:43,057,116, C deleted on the plus strand (G on the coding strand, the reverse complement: BRCA1 is on the minus strand); the first of 2 consecutive C bases (chr17:43,057,116-43,057,117); deleting either gives the same sequence. VCF-style (leftmost placement, unchanged base first): chr17-43057115-TC-T. GRCh37 (hg19) VCF-style: chr17-41209132-TC-T.
Other names: 5332delG; c.4999delG, p.Gly1667Glufs (NM_001407571.1, NM_001407894.1, NM_001407895.1 and 12 more transcripts); c.5278delG, p.Gly1760Glufs (NM_001407581.1, NM_001407582.1); c.5275delG, p.Gly1759Glufs (NM_001407583.1, NM_001407585.1, NM_001407587.1); c.5272delG, p.Gly1758Glufs (NM_001407590.1, NM_001407591.1); c.5212delG, p.Gly1738Glufs (NM_001407593.1, NM_001407594.1, NM_001407596.1 and 8 more transcripts); c.5209delG, p.Gly1737Glufs (NM_001407610.1, NM_001407611.1, NM_001407612.1 and 17 more transcripts); c.5206delG, p.Gly1736Glufs (NM_001407627.1, NM_001407628.1, NM_001407629.1 and 14 more transcripts); and 76 more; short protein forms G1759fs, G1738fs, G634fs, G1691fs.
Identifiers: ClinVar variation 266535 (VCV000266535.6), dbSNP rs886040279, ClinGen allele CA10589609.